The following is an entry in ClinVar:

ClinVar aggregate classification (germline): Pathogenic. Review status: criteria provided, single submitter (1 of 4 stars). 2 submissions from 2 submitters: Pathogenic (1). 1 of the submissions does not count toward it. Last evaluated 2025-09-27.

Conditions:
Early-infantile DEE. Also called: Early infantile epileptic encephalopathy; Early infantile epileptic encephalopathy with suppression bursts; Ohtahara syndrome. Identifiers: Orphanet 1934, MedGen C0393706, MONDO:0800491.
Generalized epilepsy with febrile seizures plus, type 1 (GEFSP1). Also called: GEFS+, TYPE 1. Identifiers: Orphanet 36387, MedGen C1858672, MONDO:0011416, OMIM 604233.

Submissions (2):

Labcorp Genetics (formerly Invitae), Labcorp
Classification: Pathogenic for Early-infantile DEE. Last evaluated: 2025-09-27. Review status: criteria provided, single submitter. Criteria: Invitae Variant Classification Sherloc (09022015). Collection method: clinical testing. Allele origin: germline.
Comment: This sequence change replaces serine, which is neutral and polar, with proline, which is neutral and non-polar, at codon 74 of the SCN1A protein (p.Ser74Pro). This variant is not present in population databases (gnomAD no frequency). This missense change has been observed in individual(s) with autosomal dominant SCN1A-related conditions (PMID: 17561957). In at least one individual the variant was observed to be de novo. ClinVar contains an entry for this variant (Variation ID: 68514). Invitae Evidence Modeling of protein sequence and biophysical properties (such as structural, functional, and spatial information, amino acid conservation, physicochemical variation, residue mobility, and thermodynamic stability) indicates that this missense variant is expected to disrupt SCN1A protein function with a positive predictive value of 95%. For these reasons, this variant has been classified as Pathogenic.

UniProtKB/Swiss-Prot
No classification provided. Condition: Generalized epilepsy with febrile seizures plus, type 1. Review status: no classification provided. Collection method: not provided. Allele origin: unknown. Not counted in ClinVar's aggregate classification.

Literature cited by the submitters: PubMed 17561957 (cited by Labcorp Genetics (formerly Invitae), Labcorp).

NM_001165963.4(SCN1A):c.220T>C (p.Ser74Pro)

Gene: SCN1A (sodium voltage-gated channel alpha subunit 1; minus strand). Cytogenetic location: 2q24.3.
Variant type: single nucleotide variant.
Coding change: c.220T>C on transcript NM_001165963.4 (MANE Select); coding-DNA position 220, T replaced by C.
Protein change: p.Ser74Pro; replaces serine 74 with proline.
Molecular consequence: missense variant. On other transcripts: 5 prime UTR variant (1), non-coding transcript variant (1).
Genome position (GRCh38, 1-based): chr2:166,073,402, A>G on the plus strand (T>C on the coding strand, the complement: SCN1A is on the minus strand). VCF-style: chr2-166073402-A-G. GRCh37 (hg19) VCF-style: chr2-166929912-A-G.
Other names: c.220T>C, p.Ser74Pro (NM_001165964.3, NM_001202435.3, NM_001353948.2 and 10 more transcripts); c.-2206T>C (NM_001353961.2); short protein forms S74P.
Identifiers: ClinVar variation 68514 (VCV000068514.2), dbSNP rs121917931, ClinGen allele CA266089.
Genomic context (GRCh38, chr2:166,073,402, plus strand): 5'-GATAAAAAACACTCACTTTCTTATTGATATAGTAGGGGTCCAGGTCCTCCAGGGGCTCTG[A>G]CACCATCTCTGGAGGAATGTCTCCATAAATAAATGGAAGGTTCTTTCCAGCTTCCAAGTC-3'
Protein context (NP_001159435.1, residues 64-84): IYGDIPPEMV[Ser74Pro]EPLEDLDPYY